The following is an entry in ClinVar:

NC_000023.11:g.71171625C>T

Gene: NLGN3 (neuroligin 3; plus strand). Cytogenetic location: Xq13.1.
Variant type: single nucleotide variant.
Genome position: GRCh38 VCF-style: chrX-71171625-C-T. GRCh37 (hg19) VCF-style: chrX-70391475-C-T.
Identifiers: ClinVar variation 2579098 (VCV002579098.25), dbSNP rs985007946, ClinGen allele CA330995662.

ClinVar aggregate classification (germline): Likely benign (1 of 4 stars; one submission).

Allele frequency attached by ClinVar (database versions not stated): gnomAD exomes 0.00006; TOPMed 0.00019; gnomAD 0.00035.
gnomAD v4.1: 77 of 742,917 alleles (0.01%); highest among the groups gnomAD compares: Non-Finnish European, 0.009%; no homozygotes.

Submission:

CeGaT Center for Human Genetics Tuebingen
Classification: Likely benign. Last evaluated: 2026-07-01. Review status: criteria provided, single submitter. Criteria: CeGaT Center For Human Genetics Tuebingen Variant Classification Criteria Version 2. Collection method: clinical testing. Allele origin: germline. Affected: yes. Observed: 4 variant alleles.
Comment: NLGN3: BS2